The following is an entry in ClinVar:

ClinVar aggregate classification (germline): other (0 of 4 stars; one submission).
ClinVar aggregate classification (somatic clinical impact): Tier I - Strong. Review status: criteria provided, single submitter (1 of 4 stars). 2 submissions from 1 submitter. 1 of the submissions does not count toward it. Last evaluated 2024-12-17.

Conditions:
Embryonal rhabdomyosarcoma (ERMS). Also called: Botryoid rhabdomyosarcoma (type of ERMS); Spindle cell rhabdomyosarcomas (type of ERMS). Identifiers: Orphanet 99757, MedGen C0206656, MONDO:0009993, HP:0006743.
Atypical teratoid rhabdoid tumor. Also called: Atypical teratoid/rhabdoid tumor. Identifiers: Orphanet 99966, MedGen C1266184, MONDO:0020560, HP:0034401.

Submissions (3):

Institute for Genomic Medicine (IGM) Clinical Laboratory, Nationwide Children's Hospital
Classification: Tier II - Potential for Atypical teratoid rhabdoid tumor. Assertion type: diagnostic. Clinical significance: supports diagnosis. Last evaluated: 2025-07-15. Review status: criteria provided, single submitter. Criteria: AMP/ASCO/CAP Guidelines, 2017. Collection method: clinical testing. Allele origin: somatic. Affected: yes. Not counted in ClinVar's aggregate classification.
Comment: Variant has Tier II (potential) clinical significance as a diagnostic inclusion criterion in atypical teratoid rhabdoid tumor, based on the following evidence: 1) Documented in one or more cancer databases (e.g., St. Jude Pecan, COSMIC, CIViC, OncoKB). 2) Information in the literature supports potential biologic effect of variant (PMID: 15834506). 3) Assists in diagnosis alone or along with other biomarkers based on small studies or few case reports (Evidence Level D).

Institute for Genomic Medicine (IGM) Clinical Laboratory, Nationwide Children's Hospital
Classification: Tier I - Strong for Embryonal rhabdomyosarcoma. Assertion type: diagnostic. Clinical significance: supports diagnosis. Last evaluated: 2024-12-17. Review status: criteria provided, single submitter. Criteria: AMP/ASCO/CAP Guidelines, 2017. Collection method: clinical testing. Allele origin: somatic. Affected: yes.
Comment: Variant has Tier I (strong) clinical significance as a diagnostic inclusion criterion in embryonal rhabdomyosarcoma, based on the following evidence: 1) Documented in one or more cancer databases (e.g., St. Jude Pecan, COSMIC, CIViC, OncoKB). 2) Appears in one or more well-established professional guidelines (e.g., World Health Organization [WHO]; National Comprehensive Cancer Network [NCCN]) as providing diagnostic, prognostic, or therapeutic information. 3) Information in the literature supports potential biologic effect of variant (PMID: 15834506). 4) Diagnostic for a specific tumor type/classification based on well-powered studies with expert-level consensus (Evidence Level B; PMIDs: 24436047, 34166060, 26138366, 16518851, 19681119, 22142829).

Donald Williams Parsons Laboratory, Baylor College of Medicine
Classification: other for RHABDOMYOSARCOMA, EMBRYONAL. Last evaluated: 2016-05-01. Review status: no assertion criteria provided. Collection method: clinical testing. Allele origin: somatic. Inheritance: Somatic mutation. Affected: yes. Study: CSER-BASIC3.

Literature cited by the submitters: PubMed 15834506 (cited by Institute for Genomic Medicine (IGM) Clinical Laboratory, Nationwide Children's Hospital); PubMed 24436047 (cited by Institute for Genomic Medicine (IGM) Clinical Laboratory, Nationwide Children's Hospital); PubMed 34166060 (cited by Institute for Genomic Medicine (IGM) Clinical Laboratory, Nationwide Children's Hospital); PubMed 26138366 (cited by Institute for Genomic Medicine (IGM) Clinical Laboratory, Nationwide Children's Hospital); PubMed 16518851 (cited by Institute for Genomic Medicine (IGM) Clinical Laboratory, Nationwide Children's Hospital); PubMed 19681119 (cited by Institute for Genomic Medicine (IGM) Clinical Laboratory, Nationwide Children's Hospital); PubMed 22142829 (cited by Institute for Genomic Medicine (IGM) Clinical Laboratory, Nationwide Children's Hospital); PubMed 26822237 (cited by Donald Williams Parsons Laboratory, Baylor College of Medicine).

NM_002834.5(PTPN11):c.1508G>T (p.Gly503Val)

Gene: PTPN11 (protein tyrosine phosphatase non-receptor type 11; plus strand). Cytogenetic location: 12q24.13.
Variant type: single nucleotide variant.
Coding change: c.1508G>T on transcript NM_002834.5 (MANE Select); coding-DNA position 1508, G replaced by T.
Protein change: p.Gly503Val; replaces glycine 503 with valine.
Molecular consequence: missense variant.
Genome position (GRCh38, 1-based): chr12:112,489,084, G>T. VCF-style: chr12-112489084-G-T. GRCh37 (hg19) VCF-style: chr12-112926888-G-T.
Other names: c.1520G>T, p.Gly507Val (NM_001330437.2); c.1505G>T, p.Gly502Val (NM_001374625.1); short protein forms G503V, G507V, G502V.
Identifiers: ClinVar variation 40560 (VCV000040560.2), dbSNP rs397507546, ClinGen allele CA282129.